The following is an entry in ClinVar:

NM_138295.5(PKD1L1):c.938A>G (p.His313Arg)

Gene: PKD1L1 (polycystin 1 like 1, transient receptor potential channel interacting; minus strand). Cytogenetic location: 7p12.3.
Variant type: single nucleotide variant.
Coding change: c.938A>G on transcript NM_138295.5 (MANE Select); coding-DNA position 938, A replaced by G.
Protein change: p.His313Arg; replaces histidine 313 with arginine.
Molecular consequence: missense variant.
Genome position (GRCh38, 1-based): chr7:47,929,326, T>C on the plus strand (A>G on the coding strand, the complement: PKD1L1 is on the minus strand). VCF-style: chr7-47929326-T-C. GRCh37 (hg19) VCF-style: chr7-47968923-T-C.
Other names: c.938A>G (NM_138295.3); short protein forms H313R.
Identifiers: ClinVar variation 2742080 (VCV002742080.4), dbSNP rs150940974, ClinGen allele CA4254191.
Genomic context (GRCh38, chr7:47,929,326, plus strand): 5'-TCAACCCCAGAACTGTCCCCGAAATCCATCATCAGACAGAGAGCCTCTCCAGAAGCCATA[T>C]GAACACGGAATCCCAGATTTGGAGGTGCCCGAGCTTCCACTTCCAGGGAGCAATTAAGAA-3'
Protein context (NP_612152.1, residues 303-323): RAPPNLGFRV[His313Arg]MASGEALCLM

ClinVar aggregate classification (germline): Uncertain significance. Review status: criteria provided, multiple submitters, no conflicts (2 of 4 stars). 2 submissions from 2 submitters: Uncertain significance (2). Last evaluated 2026-02-26.

Conditions:
PKD1L1-related disorder. Also called: PKD1L1-related condition.

Allele frequency attached by ClinVar (database versions not stated): ExAC 0.00023; gnomAD 0.00028; TOPMed 0.00034; ESP Exome Variant Server 0.00054; gnomAD exomes 0.00058.
gnomAD v4.1: 892 of 1,614,050 alleles (0.055%); highest among the groups gnomAD compares: Non-Finnish European, 0.069%; 1 homozygote.

Submissions (2):

PreventionGenetics, part of Exact Sciences
Classification: Uncertain significance for PKD1L1-related condition. Last evaluated: 2026-02-26. Review status: criteria provided, single submitter. Criteria: ACMG Guidelines, 2015. Collection method: clinical testing. Allele origin: germline.
Comment: The PKD1L1 c.938A>G variant is predicted to result in the amino acid substitution p.His313Arg. To our knowledge, this variant has not been reported in the literature. This variant is reported in 0.050% of alleles in individuals of European (non-Finnish) descent in gnomAD, which may be too frequent to be a primary cause of disease. At this time, the clinical significance of this variant is uncertain due to the absence of conclusive functional and genetic evidence.

Labcorp Genetics (formerly Invitae), Labcorp
Classification: Uncertain significance. Last evaluated: 2024-09-06. Review status: criteria provided, single submitter. Criteria: Invitae Variant Classification Sherloc (09022015). Collection method: clinical testing. Allele origin: germline.
Comment: This sequence change replaces histidine, which is basic and polar, with arginine, which is basic and polar, at codon 313 of the PKD1L1 protein (p.His313Arg). This variant is present in population databases (rs150940974, gnomAD 0.05%). This variant has not been reported in the literature in individuals affected with PKD1L1-related conditions. An algorithm developed to predict the effect of missense changes on protein structure and function outputs the following: PolyPhen-2: "Benign". The arginine amino acid residue is found in multiple mammalian species, which suggests that this missense change does not adversely affect protein function. In summary, the available evidence is currently insufficient to determine the role of this variant in disease. Therefore, it has been classified as a Variant of Uncertain Significance.